The following is an entry in ClinVar:

NM_000266.4(NDP):c.274T>C (p.Ser92Pro)

Genes: NDP (norrin cystine knot growth factor NDP; minus strand), NDP-AS1 (NDP antisense RNA 1; plus strand). Cytogenetic location: Xp11.3.
Variant type: single nucleotide variant.
Coding change: c.274T>C on transcript NM_000266.4 (MANE Select); coding-DNA position 274, T replaced by C.
Protein change: p.Ser92Pro; replaces serine 92 with proline.
Molecular consequence: missense variant. On other transcripts: non-coding transcript variant (1).
Genome position (GRCh38, 1-based): chrX:43,949,927, A>G on the plus strand (T>C on the coding strand, the complement: NDP is on the minus strand). VCF-style: chrX-43949927-A-G. GRCh37 (hg19) VCF-style: chrX-43809173-A-G.
Other names: short protein forms S92P.
Identifiers: ClinVar variation 2737215 (VCV002737215.3), dbSNP rs772386222, ClinGen allele CA413007583.

ClinVar aggregate classification (germline): Uncertain significance (1 of 4 stars; one submission).

Submission:

Labcorp Genetics (formerly Invitae), Labcorp
Classification: Uncertain significance. Last evaluated: 2023-06-28. Review status: criteria provided, single submitter. Criteria: Invitae Variant Classification Sherloc (09022015). Collection method: clinical testing. Allele origin: germline.
Comment: This sequence change replaces serine, which is neutral and polar, with proline, which is neutral and non-polar, at codon 92 of the NDP protein (p.Ser92Pro). This variant is not present in population databases (gnomAD no frequency). This missense change has been observed in individual(s) with Norrie disease (PMID: 20340138). Advanced modeling of protein sequence and biophysical properties (such as structural, functional, and spatial information, amino acid conservation, physicochemical variation, residue mobility, and thermodynamic stability) has been performed at Invitae for this missense variant, however the output from this modeling did not meet the statistical confidence thresholds required to predict the impact of this variant on NDP protein function. In summary, the available evidence is currently insufficient to determine the role of this variant in disease. Therefore, it has been classified as a Variant of Uncertain Significance.

Literature cited by the submitters: PubMed 20340138.